The following is an entry in ClinVar:

NM_020975.6(RET):c.731C>T (p.Thr244Ile)

Gene: RET (ret proto-oncogene; plus strand). Cytogenetic location: 10q11.21.
Variant type: single nucleotide variant.
Coding change: c.731C>T on transcript NM_020975.6 (MANE Select); coding-DNA position 731, C replaced by T.
Protein change: p.Thr244Ile; replaces threonine 244 with isoleucine.
Molecular consequence: missense variant.
Genome position (GRCh38, 1-based): chr10:43,105,057, C>T. VCF-style: chr10-43105057-C-T. GRCh37 (hg19) VCF-style: chr10-43600505-C-T.
Other names: c.731C>T, p.Thr244Ile (NM_000323.2, NM_001406743.1, NM_001406744.1 and 8 more transcripts); c.-32C>T (NM_001355216.2); c.602C>T, p.Thr201Ile (NM_001406761.1, NM_001406762.1, NM_001406764.1 and 2 more transcripts); c.443C>T, p.Thr148Ile (NM_001406766.1, NM_001406767.1, NM_001406770.1); short protein forms T244I, T201I, T148I.
Identifiers: ClinVar variation 477385 (VCV000477385.19), dbSNP rs145970248, ClinGen allele CA044641.

ClinVar aggregate classification (germline): Conflicting classifications of pathogenicity. Review status: criteria provided, conflicting classifications (1 of 4 stars). 7 submissions from 7 submitters: Uncertain significance (6); Likely benign (1). Last evaluated 2026-01-26.

Conditions:
Familial medullary thyroid carcinoma (MTC). Also called: Familial Medullary Thyroid Carcinoma (FMTC); Thyroid cancer, familial medullary; MTC, familial. Identifiers: Orphanet 653, Orphanet 99361, MedGen C1833921, MONDO:0007958, OMIM 155240.
Pheochromocytoma. Also called: MAX-Related Hereditary Paraganglioma-Pheochromocytoma Syndrome. Identifiers: Orphanet 29072, MedGen C0031511, MONDO:0008233, OMIM 171300, HP:0002666.
Multiple endocrine neoplasia type 2A. Also called: Multiple Endocrine Neoplasia Type 2A (MEN2A); MULTIPLE ENDOCRINE NEOPLASIA, TYPE IIA; PTC SYNDROME; SIPPLE SYNDROME; MEN 2A; MEN-2A syndrome. Identifiers: Orphanet 247698, Orphanet 653, MedGen C0025268, MeSH D018813, MONDO:0008234, OMIM 171400.
Hirschsprung disease, susceptibility to, 1 (HSCR1). Also called: RET-Related Hirschsprung Disease. Identifiers: Orphanet 388, MedGen C3888239, MONDO:0007723, OMIM 142623.
Multiple endocrine neoplasia type 2B. Also called: WAGENMANN-FROBOESE SYNDROME; MULTIPLE ENDOCRINE NEOPLASIA, TYPE III; MUCOSAL NEUROMA SYNDROME; Multiple Endocrine Neoplasia Type 2B (MEN2B); Multiple endocrine neoplasia, type 3; MULTIPLE ENDOCRINE NEOPLASIA, TYPE IIB. Identifiers: Orphanet 247709, Orphanet 653, MedGen C0025269, MeSH D018814, MONDO:0008082, OMIM 162300.
RET-related disorder. Also called: RET-related disorders; RET-related condition; RET-related disease.
Hereditary cancer-predisposing syndrome. Also called: Hereditary Cancer Syndrome; Hereditary neoplastic syndrome; Tumor predisposition; Neoplastic Syndromes, Hereditary. Identifiers: Orphanet 140162, MedGen C0027672, MeSH D009386, MONDO:0015356.
Multiple endocrine neoplasia, type 2 (MEN2). Identifiers: Orphanet 653, MedGen C4048306, MONDO:0019003. Disease mechanism: gain of function.

Allele frequency attached by ClinVar (database versions not stated): ExAC 0.00002; gnomAD 0.00002 and 0.00003; gnomAD exomes 0.00002 and 0.00005; TOPMed 0.00005; ESP Exome Variant Server 0.00008.
gnomAD v4.1: 71 of 1,609,216 alleles (0.0044%); highest among the groups gnomAD compares: Non-Finnish European, 0.0058%; no homozygotes.

Submissions (7):

Labcorp Genetics (formerly Invitae), Labcorp
Classification: Uncertain significance for Multiple endocrine neoplasia, type 2. Last evaluated: 2026-01-26. Review status: criteria provided, single submitter. Criteria: Invitae Variant Classification Sherloc (09022015). Collection method: clinical testing. Allele origin: germline.
Comment: This sequence change replaces threonine, which is neutral and polar, with isoleucine, which is neutral and non-polar, at codon 244 of the RET protein (p.Thr244Ile). This variant is present in population databases (rs145970248, gnomAD 0.005%). This missense change has been observed in individual(s) with clinical features of autosomal dominant multiple endocrine neoplasia type 2 (PMID: 36407031). ClinVar contains an entry for this variant (Variation ID: 477385). An algorithm developed to predict the effect of missense changes on protein structure and function outputs the following: PolyPhen-2: "Benign". The isoleucine amino acid residue is found in multiple mammalian species, which suggests that this missense change does not adversely affect protein function. In summary, the available evidence is currently insufficient to determine the role of this variant in disease. Therefore, it has been classified as a Variant of Uncertain Significance.

PreventionGenetics, part of Exact Sciences
Classification: Uncertain significance for RET-related condition. Last evaluated: 2025-11-19. Review status: criteria provided, single submitter. Criteria: ACMG Guidelines, 2015. Collection method: clinical testing. Allele origin: germline.
Comment: The RET c.731C>T variant is predicted to result in the amino acid substitution p.Thr244Ile. This variant has been reported in the literature in one individual with pancreatic paraganglioma (Kim et al. 2022. PubMed ID: 36407031) and in one individual with Cowden syndrome like features (Table S10, Yehia et al. 2018. PubMed ID: 29684080). This variant is reported in 0.0046% of alleles in individuals of European (Non-Finnish) descent in gnomAD and has conflicting interpretations in ClinVar ranging from uncertain to likely benign (Variation ID: 477385). At this time, the clinical significance of this variant is uncertain due to the absence of conclusive functional and genetic evidence.

ARUP Laboratories, Molecular Genetics and Genomics, ARUP Laboratories
Classification: Uncertain significance. Last evaluated: 2025-05-28. Review status: criteria provided, single submitter. Criteria: ARUP Molecular Germline Variant Investigation Process 2024. Collection method: clinical testing. Allele origin: germline.
Comment: The RET c.731C>T; p.Thr244Ile variant (rs145970248, ClinVar Variation ID: 477385) is reported in the literature in an individual affected with pancreatic paraganglioma and primary hyperparathyroidism and in an individual affected with colon adenocarcinoma (Kim 2022, Yehia 2018). This variant is found in the general population with an overall allele frequency of 0.002% (6/241,434 alleles) in the Genome Aggregation Database (v2.1.1). Computational analyses predict that this variant is neutral (REVEL: 0.055). Due to limited information, the clinical significance of this variant is uncertain at this time. References: Kim M et al. RET T244I Germline Variant Mutation in a Patient with Pancreatic Paraganglioma and Primary Hyperparathyroidism. Int J Endocrinol Metab. 2022 Jun 27;20(3):e121056. PMID: 36407031. Yehia L et al. Unexpected cancer-predisposition gene variants in Cowden syndrome and Bannayan-Riley-Ruvalcaba syndrome patients without underlying germline PTEN mutations. PLoS Genet. 2018 Apr 23;14(4):e1007352. PMID: 29684080.

GeneDx
Classification: Uncertain significance. Last evaluated: 2024-12-08. Review status: criteria provided, single submitter. Criteria: GeneDx Variant Classification Process June 2021. Collection method: clinical testing. Allele origin: germline. Affected: yes.
Comment: In silico analysis indicates that this missense variant does not alter protein structure/function; This variant is associated with the following publications: (PMID: 14633923, 36407031, 29684080)

Color Diagnostics, LLC DBA Color Health
Classification: Uncertain significance for Multiple endocrine neoplasia, type 2. Last evaluated: 2024-02-16. Review status: criteria provided, single submitter. Criteria: ACMG Guidelines, 2015. Collection method: clinical testing. Allele origin: germline.
Comment: This missense variant replaces threonine with isoleucine at codon 244 of the RET protein. Computational prediction suggests that this variant may not impact protein structure and function. To our knowledge, functional studies have not been reported for this variant. This variant has not been reported in one individual affected with a parathyroid adenoma and pancreatic paraganglioma (PMID: 36407031). This variant has been identified in 6/241434 chromosomes in the general population by the Genome Aggregation Database (gnomAD). The available evidence is insufficient to determine the role of this variant in disease conclusively. Therefore, this variant is classified as a Variant of Uncertain Significance.

Ambry Genetics
Classification: Likely benign for Hereditary cancer-predisposing syndrome. Last evaluated: 2024-02-07. Review status: criteria provided, single submitter. Criteria: Ambry Variant Classification Scheme 2023. Collection method: clinical testing. Allele origin: germline.

Fulgent Genetics
Classification: Uncertain significance for Hirschsprung disease, susceptibility to, 1; Familial medullary thyroid carcinoma; Multiple endocrine neoplasia type 2B; Pheochromocytoma; Multiple endocrine neoplasia type 2A. Last evaluated: 2021-10-25. Review status: criteria provided, single submitter. Criteria: ACMG Guidelines, 2015. Collection method: clinical testing. Allele origin: unknown.

Literature cited by the submitters: PubMed 36407031 (cited by 3 submitters); PubMed 29684080 (cited by Ambry Genetics).